The following is an entry in ClinVar:

NM_001382508.1(DROSHA):c.-9C>T

Gene: DROSHA (drosha ribonuclease III; minus strand). Cytogenetic location: 5p13.3.
Variant type: single nucleotide variant.
Coding change: c.-9C>T on transcript NM_001382508.1 (MANE Select); 9 bases upstream of the start codon, C replaced by T.
Molecular consequence: 5 prime UTR variant.
Genome position (GRCh38, 1-based): chr5:31,529,068, G>A on the plus strand (C>T on the coding strand, the complement: DROSHA is on the minus strand). VCF-style: chr5-31529068-G-A. GRCh37 (hg19) VCF-style: chr5-31529175-G-A.
Other names: c.-9C>T (NM_001100412.2, NM_013235.5).
Identifiers: ClinVar variation 4979689 (VCV004979689.1).

ClinVar aggregate classification (germline): Uncertain significance (1 of 4 stars; one submission).

Conditions:
DROSHA-related disorder. Also called: DROSHA-related condition.

gnomAD v4.1: 72 of 1,612,484 alleles (0.0045%); highest among the groups gnomAD compares: Middle Eastern, 0.049%; no homozygotes.

Submission:

PreventionGenetics, part of Exact Sciences
Classification: Uncertain significance for DROSHA-related condition. Last evaluated: 2025-09-17. Review status: criteria provided, single submitter. Criteria: ACMG Guidelines, 2015. Collection method: clinical testing. Allele origin: germline.
Comment: The DROSHA c.-9C>T variant is located in the 5' untranslated region. To our knowledge, this variant has not been reported in the literature. This variant is reported in 0.017% of alleles in individuals of Latino descent in gnomAD. At the time of reporting, this variant is absent from the ClinVar database. Although we suspect that this variant may be benign, at this time, the clinical significance of this variant is uncertain due to the absence of conclusive functional and genetic evidence.